The following is an entry in ClinVar:

NM_199420.4(POLQ):c.3953T>A (p.Phe1318Tyr)

Gene: POLQ (DNA polymerase theta; minus strand). Cytogenetic location: 3q13.33.
Variant type: single nucleotide variant.
Coding change: c.3953T>A on transcript NM_199420.4 (MANE Select); coding-DNA position 3953, T replaced by A.
Protein change: p.Phe1318Tyr; replaces phenylalanine 1318 with tyrosine.
Molecular consequence: missense variant.
Genome position (GRCh38, 1-based): chr3:121,488,978, A>T on the plus strand (T>A on the coding strand, the complement: POLQ is on the minus strand). VCF-style: chr3-121488978-A-T. GRCh37 (hg19) VCF-style: chr3-121207825-A-T.
Other names: short protein forms F1318Y.
Identifiers: ClinVar variation 3422600 (VCV003422600.1).
Genomic context (GRCh38, chr3:121,488,978, plus strand): 5'-TCAGTTGCCATCTGTTGTATTATTTTCTCTGACTGAGTATCCAGATAGAAACTATCTTCA[A>T]AATCACAGAGGACTAAACCTAAGTCAGAAACATGATTATTTTTAGTTTTGTTTGTTGTAT-3'
Protein context (NP_955452.3, residues 1308-1328): VSDLGLVLCD[Phe1318Tyr]EDSFYLDTQS

ClinVar aggregate classification (germline): Uncertain significance (1 of 4 stars; one submission).

Submission:

Ambry Genetics
Classification: Uncertain significance. Last evaluated: 2024-10-17. Review status: criteria provided, single submitter. Criteria: Ambry Variant Classification Scheme 2023. Collection method: clinical testing. Allele origin: germline.
Comment: The p.F1318Y variant (also known as c.3953T>A), located in coding exon 16 of the POLQ gene, results from a T to A substitution at nucleotide position 3953. The phenylalanine at codon 1318 is replaced by tyrosine, an amino acid with highly similar properties. This amino acid position is conserved. In addition, this alteration is predicted to be tolerated by in silico analysis. Based on the available evidence, the clinical significance of this variant remains unclear.